The following is an entry in ClinVar:

ClinVar aggregate classification (germline): Uncertain significance (1 of 4 stars; one submission).

Conditions:
Cortical dysplasia-focal epilepsy syndrome (PTHSL1). Also called: Pitt-Hopkins-like syndrome 1. Identifiers: Orphanet 163681, Orphanet 221150, MedGen C2750246, MONDO:0012400, OMIM 610042.

Allele frequency attached by ClinVar (database versions not stated): gnomAD exomes below 0.00001.
gnomAD v4.1: 1 of 1,613,698 alleles (0.000062%); highest among the groups gnomAD compares: South Asian, 0.0011%; no homozygotes.

Submission:

Labcorp Genetics (formerly Invitae), Labcorp
Classification: Uncertain significance for Cortical dysplasia-focal epilepsy syndrome. Last evaluated: 2024-08-19. Review status: criteria provided, single submitter. Criteria: Invitae Variant Classification Sherloc (09022015). Collection method: clinical testing. Allele origin: germline.
Comment: This sequence change replaces threonine, which is neutral and polar, with isoleucine, which is neutral and non-polar, at codon 910 of the CNTNAP2 protein (p.Thr910Ile). This variant is not present in population databases (gnomAD no frequency). This variant has not been reported in the literature in individuals affected with CNTNAP2-related conditions. ClinVar contains an entry for this variant (Variation ID: 1494257). An algorithm developed to predict the effect of missense changes on protein structure and function (PolyPhen-2) suggests that this variant is likely to be tolerated. In summary, the available evidence is currently insufficient to determine the role of this variant in disease. Therefore, it has been classified as a Variant of Uncertain Significance.

NM_014141.6(CNTNAP2):c.2729C>T (p.Thr910Ile)

Gene: CNTNAP2 (contactin associated protein 2; plus strand). Cytogenetic location: 7q35.
Variant type: single nucleotide variant.
Coding change: c.2729C>T on transcript NM_014141.6 (MANE Select); coding-DNA position 2729, C replaced by T.
Protein change: p.Thr910Ile; replaces threonine 910 with isoleucine.
Molecular consequence: missense variant.
Genome position (GRCh38, 1-based): chr7:148,147,665, C>T. VCF-style: chr7-148147665-C-T. GRCh37 (hg19) VCF-style: chr7-147844757-C-T.
Other names: short protein forms T910I.
Identifiers: ClinVar variation 1494257 (VCV001494257.8), dbSNP rs2116652718, ClinGen allele CA369928193.